The following is an entry in ClinVar:

NM_025114.4(CEP290):c.3950A>C (p.Lys1317Thr)

Gene: CEP290 (centrosomal protein 290; minus strand). Cytogenetic location: 12q21.32.
Variant type: single nucleotide variant.
Coding change: c.3950A>C on transcript NM_025114.4 (MANE Select); coding-DNA position 3950, A replaced by C.
Protein change: p.Lys1317Thr; replaces lysine 1317 with threonine.
Molecular consequence: missense variant.
Genome position (GRCh38, 1-based): chr12:88,089,111, T>G on the plus strand (A>C on the coding strand, the complement: CEP290 is on the minus strand). VCF-style: chr12-88089111-T-G. GRCh37 (hg19) VCF-style: chr12-88482888-T-G.
Other names: short protein forms K1317T.
Identifiers: ClinVar variation 310605 (VCV000310605.11), dbSNP rs778137534, ClinGen allele CA6712053.
Genomic context (GRCh38, chr12:88,089,111, plus strand): 5'-TCCTTTAAAGTGCTTATTAACTCTTCCAGGCCCTTTAATTTTAATTCCATCTCCAATGTT[T>G]TGTTCTCCATATTTCTATGTTCTTGTTGAGAATTTTTCATTTCTTGCATTATCTTAAGTT-3'
Protein context (NP_079390.3, residues 1307-1327): SQQEHRNMEN[Lys1317Thr]TLEMELKLKG

ClinVar aggregate classification (germline): Uncertain significance. Review status: criteria provided, multiple submitters, no conflicts (2 of 4 stars). 9 submissions from 5 submitters: Uncertain significance (8). 1 of the submissions does not count toward it. Last evaluated 2026-01-28.

Conditions:
CEP290-related disorder. Also called: CEP290-related disorders; CEP290-related condition. Identifiers: MedGen CN239314.
Joubert syndrome. Also called: Familial aplasia of the vermis; JOUBERT-BOLTSHAUSER SYNDROME. Identifiers: Orphanet 475, MedGen C5979921, MONDO:0018772.
Meckel-Gruber syndrome. Also called: DYSENCEPHALIA SPLANCHNOCYSTICA; GRUBER SYNDROME; Dysencephalia splachnocystica. Identifiers: Orphanet 564, MedGen C0265215, MONDO:0018921.
Nephronophthisis. Also called: Juvenile Nephronophthisis. Identifiers: Orphanet 655, MedGen C0687120, MONDO:0019005, HP:0000090.
Bardet-Biedl syndrome 14 (BBS14). Identifiers: Orphanet 110, MedGen C2673874, MONDO:0014442, OMIM 615991.
Leber congenital amaurosis (LCA). Also called: Leber's amaurosis. Identifiers: Orphanet 65, MedGen C0339527, MeSH D057130, MONDO:0018998.
Meckel syndrome, type 4 (MKS4). Also called: MECKEL-GRUBER SYNDROME, TYPE 4. Identifiers: Orphanet 564, MedGen C1970161, MONDO:0012626, OMIM 611134.
Leber congenital amaurosis 10 (LCA10). Identifiers: Orphanet 65, MedGen C1857821, MONDO:0012723, OMIM 611755.
Senior-Loken syndrome 6 (SLSN6). Identifiers: Orphanet 3156, MedGen C1857779, MONDO:0012433, OMIM 610189.
Joubert syndrome 5 (JBTS5). Identifiers: Orphanet 2318, MedGen C1857780, MONDO:0012432, OMIM 610188.

Allele frequency attached by ClinVar (database versions not stated): gnomAD exomes below 0.00001 and 0.00001; ExAC 0.00001.
gnomAD v4.1: 8 of 1,573,430 alleles (0.00051%); highest among the groups gnomAD compares: Middle Eastern, 0.1%; no homozygotes.

Submissions (9):

PreventionGenetics, part of Exact Sciences
Classification: Uncertain significance for CEP290-related condition. Last evaluated: 2026-01-28. Review status: criteria provided, single submitter. Criteria: ACMG Guidelines, 2015. Collection method: clinical testing. Allele origin: germline.
Comment: The CEP290 c.3950A>C variant is predicted to result in the amino acid substitution p.Lys1317Thr. To our knowledge, this variant has not been reported in the literature. This variant is reported in 0.00098% of alleles in individuals of European (Non-Finnish) descent in gnomAD. At this time, the clinical significance of this variant is uncertain due to the absence of conclusive functional and genetic evidence.

Labcorp Genetics (formerly Invitae), Labcorp
Classification: Uncertain significance for Joubert syndrome; Meckel-Gruber syndrome; Nephronophthisis. Last evaluated: 2021-08-30. Review status: criteria provided, single submitter. Criteria: Invitae Variant Classification Sherloc (09022015). Collection method: clinical testing. Allele origin: germline.
Comment: This sequence change replaces lysine with threonine at codon 1317 of the CEP290 protein (p.Lys1317Thr). The lysine residue is moderately conserved and there is a moderate physicochemical difference between lysine and threonine. This variant is present in population databases (rs778137534, ExAC 0.002%). This variant has not been reported in the literature in individuals affected with CEP290-related conditions. ClinVar contains an entry for this variant (Variation ID: 310605). Algorithms developed to predict the effect of missense changes on protein structure and function are either unavailable or do not agree on the potential impact of this missense change (SIFT: "Tolerated"; PolyPhen-2: "Possibly Damaging"; Align-GVGD: "Class C0"). In summary, the available evidence is currently insufficient to determine the role of this variant in disease. Therefore, it has been classified as a Variant of Uncertain Significance.

Blueprint Genetics
Classification: Uncertain significance. Last evaluated: 2018-11-08. Review status: criteria provided, single submitter. Criteria: ACMG Guidelines, 2015. Collection method: clinical testing. Allele origin: germline.

Illumina Laboratory Services, Illumina
Classification: Uncertain significance for Joubert syndrome 5. Last evaluated: 2018-01-13. Review status: criteria provided, single submitter. Criteria: ICSL Variant Classification Criteria 13 December 2019. Collection method: clinical testing. Allele origin: germline.

Illumina Laboratory Services, Illumina
Classification: Uncertain significance for Senior-Loken syndrome 6. Last evaluated: 2018-01-13. Review status: criteria provided, single submitter. Criteria: ICSL Variant Classification Criteria 13 December 2019. Collection method: clinical testing. Allele origin: germline.

Illumina Laboratory Services, Illumina
Classification: Uncertain significance for Meckel syndrome, type 4. Last evaluated: 2018-01-13. Review status: criteria provided, single submitter. Criteria: ICSL Variant Classification Criteria 13 December 2019. Collection method: clinical testing. Allele origin: germline.

Illumina Laboratory Services, Illumina
Classification: Uncertain significance for Bardet-Biedl syndrome 14. Last evaluated: 2018-01-13. Review status: criteria provided, single submitter. Criteria: ICSL Variant Classification Criteria 13 December 2019. Collection method: clinical testing. Allele origin: germline.

Illumina Laboratory Services, Illumina
Classification: Uncertain significance for Leber congenital amaurosis 10. Last evaluated: 2018-01-13. Review status: criteria provided, single submitter. Criteria: ICSL Variant Classification Criteria 13 December 2019. Collection method: clinical testing. Allele origin: germline.

Natera, Inc.
Classification: Uncertain significance for Leber congenital amaurosis. Last evaluated: 2020-09-16. Review status: no assertion criteria provided. Collection method: clinical testing. Allele origin: germline. Not counted in ClinVar's aggregate classification.